The following is an entry in ClinVar:

NM_000203.5(IDUA):c.41T>G (p.Leu14Arg)

Genes: IDUA (alpha-L-iduronidase; plus strand), SLC26A1 (solute carrier family 26 member 1; minus strand). Cytogenetic location: 4p16.3.
Variant type: single nucleotide variant.
Coding change: c.41T>G on transcript NM_000203.5 (MANE Select); coding-DNA position 41, T replaced by G.
Protein change: p.Leu14Arg; replaces leucine 14 with arginine.
Molecular consequence: missense variant. On other transcripts: non-coding transcript variant (1), intron variant (1).
Genome position (GRCh38, 1-based): chr4:987,125, T>G. VCF-style: chr4-987125-T-G. GRCh37 (hg19) VCF-style: chr4-980913-T-G.
Other names: c.576+4003A>C (NM_134425.4); short protein forms L14R.
Identifiers: ClinVar variation 4817929 (VCV004817929.1).

ClinVar aggregate classification (germline): Likely pathogenic (1 of 4 stars; one submission).

Conditions:
Mucopolysaccharidosis type 1. Also called: IDUA deficiency; MPS I; Mucopolysaccharidosis Type I. Identifiers: Orphanet 579, MedGen C0023786, MONDO:0001586.

Submission:

Natera, Inc.
Classification: Likely pathogenic for Mucopolysaccharidosis type I. Last evaluated: 2025-03-25. Review status: criteria provided, single submitter. Criteria: Natera Variant Classification Schema (03/2026). Collection method: clinical testing. Allele origin: germline.
Comment: The c.41T>G variant in IDUA is a missense variant predicted to cause substitution of leucine to arginine at amino acid 14. This variant is rare in the general population with a frequency below the threshold expected for the associated phenotype(s). This variant has been observed in one or more individuals affected with the associated recessive disease, as either homozygous or compound heterozygous with a second variant (PMID: 28752568). This variant has been identified in one or more affected individual with a phenotype highly consistent with the associated gene (PMID: 28752568). Computational prediction algorithms indicate this variant is likely to affect gene or protein function. Given the available evidence, this variant is classified as Likely Pathogenic.

Literature cited by the submitters: PubMed 28752568.